The following is an entry in ClinVar:

ClinVar aggregate classification (germline): Uncertain significance. Review status: criteria provided, multiple submitters, no conflicts (2 of 4 stars). 2 submissions from 2 submitters: Uncertain significance (2). Last evaluated 2024-02-07.

Conditions:
Epilepsy, childhood absence, susceptibility to, 6. Identifiers: Orphanet 64280, MedGen C2749872, MONDO:0012763, OMIM 611942.
Hyperaldosteronism, familial, type IV (HALD4). Also called: FH IV; ALDOSTERONISM, PRIMARY, AND HYPERTENSION. Identifiers: Orphanet 642671, MedGen C4310756, MONDO:0014875, OMIM 617027.
Idiopathic generalized epilepsy. Also called: EIG; Generalised epilepsy. Identifiers: MedGen C0270850, MONDO:0005579, OMIM 600669.

Allele frequency attached by ClinVar (database versions not stated): TOPMed 0.00002; gnomAD 0.00003; ExAC 0.00004; ESP Exome Variant Server 0.00008.
gnomAD v4.1: 40 of 1,611,880 alleles (0.0025%); highest among the groups gnomAD compares: African/African-American, 0.008%; no homozygotes.

Submissions (2):

Fulgent Genetics
Classification: Uncertain significance for Epilepsy, childhood absence, susceptibility to, 6; Hyperaldosteronism, familial, type IV. Last evaluated: 2024-02-07. Review status: criteria provided, single submitter. Criteria: ACMG Guidelines, 2015. Collection method: clinical testing. Allele origin: germline.

Labcorp Genetics (formerly Invitae), Labcorp
Classification: Uncertain significance for Idiopathic generalized epilepsy; Hyperaldosteronism, familial, type IV. Last evaluated: 2022-11-08. Review status: criteria provided, single submitter. Criteria: Invitae Variant Classification Sherloc (09022015). Collection method: clinical testing. Allele origin: germline.
Comment: In summary, the available evidence is currently insufficient to determine the role of this variant in disease. Therefore, it has been classified as a Variant of Uncertain Significance. Variants that disrupt the consensus splice site are a relatively common cause of aberrant splicing (PMID: 17576681, 9536098). Algorithms developed to predict the effect of sequence changes on RNA splicing suggest that this variant may create or strengthen a splice site. This variant has not been reported in the literature in individuals affected with CACNA1H-related conditions. This variant is present in population databases (rs61171241, gnomAD 0.02%). This sequence change falls in intron 24 of the CACNA1H gene. It does not directly change the encoded amino acid sequence of the CACNA1H protein. It affects a nucleotide within the consensus splice site.

Literature cited by the submitters: PubMed 17576681 (cited by Labcorp Genetics (formerly Invitae), Labcorp); PubMed 9536098 (cited by Labcorp Genetics (formerly Invitae), Labcorp).

NM_021098.3(CACNA1H):c.4566+5G>A

Gene: CACNA1H (calcium voltage-gated channel subunit alpha1 H; plus strand). Cytogenetic location: 16p13.3.
Variant type: single nucleotide variant.
Coding change: c.4566+5G>A on transcript NM_021098.3 (MANE Select); 5 bases into the intron after coding-DNA position 4566, G replaced by A.
Molecular consequence: intron variant.
Genome position (GRCh38, 1-based): chr16:1,211,810, G>A. VCF-style: chr16-1211810-G-A. GRCh37 (hg19) VCF-style: chr16-1261810-G-A.
Other names: c.4566+5G>A (NM_001005407.2).
Identifiers: ClinVar variation 2951691 (VCV002951691.4), dbSNP rs61171241, ClinGen allele CA7801410.